The following is an entry in ClinVar:

ClinVar aggregate classification (germline): Uncertain significance (1 of 4 stars; one submission).

Conditions:
Cardiovascular phenotype. Identifiers: MedGen CN230736.

Submission:

Ambry Genetics
Classification: Uncertain significance for Cardiovascular phenotype. Last evaluated: 2024-12-21. Review status: criteria provided, single submitter. Criteria: Ambry Variant Classification Scheme 2023. Collection method: clinical testing. Allele origin: germline.
Comment: The p.Q715R variant (also known as c.2144A>G), located in coding exon 13 of the CBL gene, results from an A to G substitution at nucleotide position 2144. The glutamine at codon 715 is replaced by arginine, an amino acid with highly similar properties. This amino acid position is conserved. In addition, this alteration is predicted to be tolerated by in silico analysis. Based on the available evidence, the clinical significance of this variant remains unclear.

NM_005188.4(CBL):c.2144A>G (p.Gln715Arg)

Gene: CBL (Cbl proto-oncogene; plus strand). Cytogenetic location: 11q23.3.
Variant type: single nucleotide variant.
Coding change: c.2144A>G on transcript NM_005188.4 (MANE Select); coding-DNA position 2144, A replaced by G.
Protein change: p.Gln715Arg; replaces glutamine 715 with arginine.
Molecular consequence: missense variant.
Genome position (GRCh38, 1-based): chr11:119,297,025, A>G. VCF-style: chr11-119297025-A-G. GRCh37 (hg19) VCF-style: chr11-119167735-A-G.
Other names: short protein forms Q715R.
Identifiers: ClinVar variation 3827790 (VCV003827790.1).